The following is an entry in ClinVar:

ClinVar aggregate classification (germline): Likely benign. Review status: criteria provided, multiple submitters, no conflicts (2 of 4 stars). 4 submissions from 4 submitters: Likely benign (4). Last evaluated 2025-09-14.

Conditions:
Early-infantile DEE. Also called: Early infantile epileptic encephalopathy with suppression bursts; Early infantile epileptic encephalopathy; Ohtahara syndrome. Identifiers: Orphanet 1934, MedGen C0393706, MONDO:0800491.

Allele frequency attached by ClinVar (database versions not stated): ExAC 0.00001; gnomAD 0.00001; gnomAD exomes 0.00001; TOPMed 0.00001.
gnomAD v4.1: 14 of 1,607,048 alleles (0.00087%); highest among the groups gnomAD compares: Non-Finnish European, 0.0012%; no homozygotes.

Submissions (4):

Labcorp Genetics (formerly Invitae), Labcorp
Classification: Likely benign for Early-infantile DEE. Last evaluated: 2025-09-14. Review status: criteria provided, single submitter. Criteria: Invitae Variant Classification Sherloc (09022015). Collection method: clinical testing. Allele origin: germline.

CeGaT Center for Human Genetics Tuebingen
Classification: Likely benign. Last evaluated: 2021-08-01. Review status: criteria provided, single submitter. Criteria: CeGaT Center For Human Genetics Tuebingen Variant Classification Criteria Version 2. Collection method: clinical testing. Allele origin: germline. Affected: yes. Observed: 1 variant allele.

Blueprint Genetics
Classification: Likely benign. Last evaluated: 2019-12-16. Review status: criteria provided, single submitter. Criteria: ACMG Guidelines, 2015. Collection method: clinical testing. Allele origin: germline.

GeneDx
Classification: Likely benign. Last evaluated: 2018-01-10. Review status: criteria provided, single submitter. Criteria: GeneDx Variant Classification (06012015). Collection method: clinical testing. Allele origin: germline. Affected: yes.
Comment: This variant is considered likely benign or benign based on one or more of the following criteria: it is a conservative change, it occurs at a poorly conserved position in the protein, it is predicted to be benign by multiple in silico algorithms, and/or has population frequency not consistent with disease.

NM_001165963.4(SCN1A):c.694+9A>G

Gene: SCN1A (sodium voltage-gated channel alpha subunit 1; minus strand). Cytogenetic location: 2q24.3.
Variant type: single nucleotide variant.
Coding change: c.694+9A>G on transcript NM_001165963.4 (MANE Select); 9 bases into the intron after coding-DNA position 694, A replaced by G.
Molecular consequence: intron variant.
Genome position (GRCh38, 1-based): chr2:166,052,843, T>C on the plus strand (A>G on the coding strand, the complement: SCN1A is on the minus strand). VCF-style: chr2-166052843-T-C. GRCh37 (hg19) VCF-style: chr2-166909353-T-C.
Other names: c.694+9A>G (NM_001353949.2, NM_001353958.2, NM_001353950.2 and 10 more transcripts); c.-1732+9A>G (NM_001353961.2).
Identifiers: ClinVar variation 415306 (VCV000415306.47), dbSNP rs754260524, ClinGen allele CA1943462.